The following is an entry in ClinVar:

NM_000232.5(SGCB):c.82G>T (p.Glu28Ter)

Gene: SGCB (sarcoglycan beta; minus strand). Cytogenetic location: 4q12.
Variant type: single nucleotide variant.
Coding change: c.82G>T on transcript NM_000232.5 (MANE Select); coding-DNA position 82, G replaced by T.
Protein change: p.Glu28Ter; replaces glutamic acid 28 with a stop codon.
Molecular consequence: nonsense.
Genome position (GRCh38, 1-based): chr4:52,033,592, C>A on the plus strand (G>T on the coding strand, the complement: SGCB is on the minus strand). VCF-style: chr4-52033592-C-A. GRCh37 (hg19) VCF-style: chr4-52899758-C-A.
Other names: short protein forms E28*.
Identifiers: ClinVar variation 1073925 (VCV001073925.11), dbSNP rs771814273, ClinGen allele CA2918508.
Genomic context (GRCh38, chr4:52,033,592, plus strand): 5'-CAATCGGAATGTATCCAGCTTTAAAGTTACTGTTGTGCTCTTTATTGACACTCCTTCTCT[C>A]AACAGCCTTCTCACGCATGGACTTCTTTACAGGACCATTGGAACTTTGCTAAAAATGAAA-3'

ClinVar aggregate classification (germline): Pathogenic/Likely pathogenic. Review status: criteria provided, multiple submitters, no conflicts (2 of 4 stars). 3 submissions from 3 submitters: Pathogenic (2); Likely pathogenic (1). Last evaluated 2023-06-30.

Conditions:
Autosomal recessive limb-girdle muscular dystrophy type 2E (LGMDR4). Also called: MUSCULAR DYSTROPHY, LIMB-GIRDLE, AUTOSOMAL RECESSIVE 4. Identifiers: Orphanet 119, MedGen C1858593, MONDO:0011423, OMIM 604286. Disease mechanism: Affects gamma-sarcoglycan and also disrupts the integrity of the entire sarcoglycan complex..

Allele frequency attached by ClinVar (database versions not stated): gnomAD exomes below 0.00001; ExAC 0.00001.
gnomAD v4.1: 1 of 1,613,984 alleles (0.000062%); highest among the groups gnomAD compares: Non-Finnish European, 0.000085%; no homozygotes.

Submissions (3):

Labcorp Genetics (formerly Invitae), Labcorp
Classification: Pathogenic for Autosomal recessive limb-girdle muscular dystrophy type 2E. Last evaluated: 2023-06-30. Review status: criteria provided, single submitter. Criteria: Invitae Variant Classification Sherloc (09022015). Collection method: clinical testing. Allele origin: germline.
Comment: ClinVar contains an entry for this variant (Variation ID: 1073925). For these reasons, this variant has been classified as Pathogenic. This variant has not been reported in the literature in individuals affected with SGCB-related conditions. This variant is not present in population databases (gnomAD no frequency). This sequence change creates a premature translational stop signal (p.Glu28*) in the SGCB gene. It is expected to result in an absent or disrupted protein product. Loss-of-function variants in SGCB are known to be pathogenic (PMID: 15938573, 18285821).

Baylor Genetics
Classification: Likely pathogenic for Autosomal recessive limb-girdle muscular dystrophy type 2E. Last evaluated: 2021-11-13. Review status: criteria provided, single submitter. Criteria: ACMG Guidelines, 2015. Collection method: clinical testing. Allele origin: unknown.

Revvity Omics, Revvity
Classification: Pathogenic for Autosomal recessive limb-girdle muscular dystrophy type 2E. Last evaluated: 2019-10-01. Review status: criteria provided, single submitter. Criteria: ACMG Guidelines, 2015. Collection method: clinical testing. Allele origin: germline.

Literature cited by the submitters: PubMed 15938573 (cited by Labcorp Genetics (formerly Invitae), Labcorp); PubMed 18285821 (cited by Labcorp Genetics (formerly Invitae), Labcorp).